The following is an entry in ClinVar:

NM_001079872.2(CUL4B):c.777-1G>A

Gene: CUL4B (cullin 4B; minus strand). Cytogenetic location: Xq24.
Variant type: single nucleotide variant.
Coding change: c.777-1G>A on transcript NM_001079872.2 (MANE Select); the canonical splice acceptor site of the intron before coding-DNA position 777, G replaced by A.
Molecular consequence: splice acceptor variant.
Genome position (GRCh38, 1-based): chrX:120,546,617, C>T on the plus strand (G>A on the coding strand, the complement: CUL4B is on the minus strand). VCF-style: chrX-120546617-C-T. GRCh37 (hg19) VCF-style: chrX-119680472-C-T.
Other names: c.831-1G>A (NM_003588.4); c.792-1G>A (NM_001330624.2); c.243-1G>A (NM_001369145.1).
Identifiers: ClinVar variation 452754 (VCV000452754.4), dbSNP rs766506778, ClinGen allele CA334126024.

ClinVar aggregate classification (germline): Pathogenic (1 of 4 stars; one submission).

Allele frequency attached by ClinVar (database versions not stated): gnomAD 0.00001; gnomAD exomes 0.00001; TOPMed 0.00001.
gnomAD v4.1: 8 of 1,169,875 alleles (0.00068%); highest among the groups gnomAD compares: African/African-American, 0.0018%; no homozygotes.

Submission:

GeneDx
Classification: Pathogenic. Last evaluated: 2025-09-21. Review status: criteria provided, single submitter. Criteria: GeneDx Variant Classification Process June 2021. Collection method: clinical testing. Allele origin: germline. Affected: yes.
Comment: Canonical splice site variant predicted to result in a null allele in a gene for which loss of function is a known mechanism of disease; Not observed at significant frequency in large population cohorts (gnomAD); Has not been previously published as pathogenic or benign to our knowledge